The following is an entry in ClinVar:

ClinVar aggregate classification (germline): Uncertain significance (1 of 4 stars; one submission).

Submission:

Labcorp Genetics (formerly Invitae), Labcorp
Classification: Uncertain significance. Last evaluated: 2022-07-11. Review status: criteria provided, single submitter. Criteria: Invitae Variant Classification Sherloc (09022015). Collection method: clinical testing. Allele origin: germline.
Comment: In summary, the available evidence is currently insufficient to determine the role of this variant in disease. Therefore, it has been classified as a Variant of Uncertain Significance. Algorithms developed to predict the effect of missense changes on protein structure and function output the following: SIFT: "Not Available"; PolyPhen-2: "Benign"; Align-GVGD: "Not Available". The glutamine amino acid residue is found in multiple mammalian species, which suggests that this missense change does not adversely affect protein function. This variant has not been reported in the literature in individuals affected with PNLIP-related conditions. This variant is not present in population databases (gnomAD no frequency). This sequence change replaces lysine, which is basic and polar, with glutamine, which is neutral and polar, at codon 341 of the PNLIP protein (p.Lys341Gln).

NM_000936.4(PNLIP):c.1021A>C (p.Lys341Gln)

Gene: PNLIP (pancreatic lipase; plus strand). Cytogenetic location: 10q25.3.
Variant type: single nucleotide variant.
Coding change: c.1021A>C on transcript NM_000936.4 (MANE Select); coding-DNA position 1021, A replaced by C.
Protein change: p.Lys341Gln; replaces lysine 341 with glutamine.
Molecular consequence: missense variant.
Genome position (GRCh38, 1-based): chr10:116,559,244, A>C. VCF-style: chr10-116559244-A-C. GRCh37 (hg19) VCF-style: chr10-118318756-A-C.
Other names: short protein forms K341Q.
Identifiers: ClinVar variation 2117940 (VCV002117940.4), dbSNP rs2493060797, ClinGen allele CA378497738.